The following is an entry in ClinVar:

NM_005228.5(EGFR):c.527T>C (p.Met176Thr)

Gene: EGFR (epidermal growth factor receptor; plus strand). Cytogenetic location: 7p11.2.
Variant type: single nucleotide variant.
Coding change: c.527T>C on transcript NM_005228.5 (MANE Select); coding-DNA position 527, T replaced by C.
Protein change: p.Met176Thr; replaces methionine 176 with threonine.
Molecular consequence: missense variant. On other transcripts: intron variant (3).
Genome position (GRCh38, 1-based): chr7:55,146,708, T>C. VCF-style: chr7-55146708-T-C. GRCh37 (hg19) VCF-style: chr7-55214401-T-C.
Other names: c.527T>C, p.Met176Thr (NM_001346898.2, NM_201282.2, NM_201283.2 and 1 more transcripts); c.368T>C, p.Met123Thr (NM_001346900.2); c.424+3220T>C (NM_001346899.2, NM_001346897.2); c.89-9122T>C (NM_001346941.2); short protein forms M123T, M176T.
Identifiers: ClinVar variation 2053108 (VCV002053108.4), dbSNP rs2535467833, ClinGen allele CA367576688.
Genomic context (GRCh38, chr7:55,146,708, plus strand): 5'-TGTGCAACGTGGAGAGCATCCAGTGGCGGGACATAGTCAGCAGTGACTTTCTCAGCAACA[T>C]GTCGATGGACTTCCAGAACCACCTGGGCAGCTGTAAGTGTCGCATACACACTATCTCTGC-3'
Protein context (NP_005219.2, residues 166-186): DIVSSDFLSN[Met176Thr]SMDFQNHLGS

ClinVar aggregate classification (germline): Uncertain significance (1 of 4 stars; one submission).

Conditions:
EGFR-related lung cancer (EGFR). Identifiers: MedGen CN130014.

Submission:

Labcorp Genetics (formerly Invitae), Labcorp
Classification: Uncertain significance for EGFR-related lung cancer. Last evaluated: 2021-12-22. Review status: criteria provided, single submitter. Criteria: Invitae Variant Classification Sherloc (09022015). Collection method: clinical testing. Allele origin: germline.
Comment: This sequence change replaces methionine, which is neutral and non-polar, with threonine, which is neutral and polar, at codon 176 of the EGFR protein (p.Met176Thr). This variant is not present in population databases (gnomAD no frequency). This variant has not been reported in the literature in individuals affected with EGFR-related conditions. Algorithms developed to predict the effect of missense changes on protein structure and function (SIFT, PolyPhen-2, Align-GVGD) all suggest that this variant is likely to be tolerated. In summary, the available evidence is currently insufficient to determine the role of this variant in disease. Therefore, it has been classified as a Variant of Uncertain Significance.